The following is an entry in ClinVar:

NM_001351132.2(PEX5):c.655G>A (p.Val219Met)

Gene: PEX5 (peroxisomal biogenesis factor 5; plus strand). Cytogenetic location: 12p13.31.
Variant type: single nucleotide variant.
Coding change: c.655G>A on transcript NM_001351132.2 (MANE Select); coding-DNA position 655, G replaced by A.
Protein change: p.Val219Met; replaces valine 219 with methionine.
Molecular consequence: missense variant. On other transcripts: intron variant (15).
Genome position (GRCh38, 1-based): chr12:7,202,253, G>A. VCF-style: chr12-7202253-G-A. GRCh37 (hg19) VCF-style: chr12-7354849-G-A.
Other names: c.655G>A, p.Val219Met (NM_000319.5, NM_001131025.2, NM_001131026.2 and 6 more transcripts); c.700G>A, p.Val234Met (NM_001131023.2); c.643-359G>A (NM_001351124.3, NM_001351126.2, NM_001374646.1 and 10 more transcripts); c.688-359G>A (NM_001351135.3, NM_001351138.2); short protein forms V219M, V234M.
Identifiers: ClinVar variation 1426895 (VCV001426895.3), dbSNP rs144508802, ClinGen allele CA6426227.

ClinVar aggregate classification (germline): Uncertain significance (1 of 4 stars; one submission).

Conditions:
Peroxisome biogenesis disorder 2B (PBD2B). Identifiers: Orphanet 44, MedGen C3550234, MONDO:0008736, OMIM 202370.

Allele frequency attached by ClinVar (database versions not stated): gnomAD exomes 0.00002; ExAC 0.00004; TOPMed 0.00005; gnomAD 0.00007 and 0.00008; ESP Exome Variant Server 0.00023.
gnomAD v4.1: 30 of 1,613,960 alleles (0.0019%); highest among the groups gnomAD compares: African/African-American, 0.0067%; no homozygotes.

Submission:

Labcorp Genetics (formerly Invitae), Labcorp
Classification: Uncertain significance for Peroxisome biogenesis disorder 2B. Last evaluated: 2021-10-12. Review status: criteria provided, single submitter. Criteria: Invitae Variant Classification Sherloc (09022015). Collection method: clinical testing. Allele origin: germline.
Comment: This sequence change replaces valine with methionine at codon 219 of the PEX5 protein (p.Val219Met). The valine residue is moderately conserved and there is a small physicochemical difference between valine and methionine. This variant is present in population databases (rs144508802, ExAC 0.02%). This variant has not been reported in the literature in individuals affected with PEX5-related conditions. Algorithms developed to predict the effect of missense changes on protein structure and function are either unavailable or do not agree on the potential impact of this missense change (SIFT: "Deleterious"; PolyPhen-2: "Benign"; Align-GVGD: "Class C0"). In summary, the available evidence is currently insufficient to determine the role of this variant in disease. Therefore, it has been classified as a Variant of Uncertain Significance.